The following is an entry in ClinVar:

NM_001371727.1(GABRB2):c.814G>A (p.Ala272Thr)

Gene: GABRB2 (gamma-aminobutyric acid type A receptor subunit beta2; minus strand). Cytogenetic location: 5q34.
Variant type: single nucleotide variant.
Coding change: c.814G>A on transcript NM_001371727.1 (MANE Select); coding-DNA position 814, G replaced by A.
Protein change: p.Ala272Thr; replaces alanine 272 with threonine.
Molecular consequence: missense variant.
Genome position (GRCh38, 1-based): chr5:161,334,770, C>T on the plus strand (G>A on the coding strand, the complement: GABRB2 is on the minus strand). VCF-style: chr5-161334770-C-T. GRCh37 (hg19) VCF-style: chr5-160761777-C-T.
Other names: c.814G>A, p.Ala272Thr (NM_000813.3, NM_021911.3); short protein forms A272T.
Identifiers: ClinVar variation 1691665 (VCV001691665.3), dbSNP rs2113404944, ClinGen allele CA362171505.

ClinVar aggregate classification (germline): Uncertain significance (1 of 4 stars; one submission).

Submission:

GeneDx
Classification: Uncertain significance. Last evaluated: 2021-12-13. Review status: criteria provided, single submitter. Criteria: GeneDx Variant Classification Process June 2021. Collection method: clinical testing. Allele origin: germline. Affected: yes.
Comment: Not observed at significant frequency in large population cohorts (gnomAD); In silico analysis supports that this missense variant does not alter protein structure/function; Has not been previously published as pathogenic or benign to our knowledge